The following is an entry in ClinVar:

NM_001046.3(SLC12A2):c.982A>G (p.Thr328Ala)

Gene: SLC12A2 (solute carrier family 12 member 2; plus strand). Cytogenetic location: 5q23.3.
Variant type: single nucleotide variant.
Coding change: c.982A>G on transcript NM_001046.3 (MANE Select); coding-DNA position 982, A replaced by G.
Protein change: p.Thr328Ala; replaces threonine 328 with alanine.
Molecular consequence: missense variant. On other transcripts: non-coding transcript variant (1).
Genome position (GRCh38, 1-based): chr5:128,114,615, A>G. VCF-style: chr5-128114615-A-G. GRCh37 (hg19) VCF-style: chr5-127450307-A-G.
Other names: c.982A>G, p.Thr328Ala (NM_001256461.2); short protein forms T328A.
Identifiers: ClinVar variation 4767318 (VCV004767318.1).

ClinVar aggregate classification (germline): Uncertain significance (1 of 4 stars; one submission).

gnomAD v4.1: 6 of 1,612,022 alleles (0.00037%); highest among the groups gnomAD compares: Non-Finnish European, 0.00051%; no homozygotes.

Submission:

Labcorp Genetics (formerly Invitae), Labcorp
Classification: Uncertain significance. Last evaluated: 2025-09-10. Review status: criteria provided, single submitter. Criteria: Invitae Variant Classification Sherloc (09022015). Collection method: clinical testing. Allele origin: germline.
Comment: This sequence change replaces threonine, which is neutral and polar, with alanine, which is neutral and non-polar, at codon 328 of the SLC12A2 protein (p.Thr328Ala). This variant is not present in population databases (gnomAD no frequency). This variant has not been reported in the literature in individuals affected with SLC12A2-related conditions. Invitae Evidence Modeling of protein sequence and biophysical properties (such as structural, functional, and spatial information, amino acid conservation, physicochemical variation, residue mobility, and thermodynamic stability) indicates that this missense variant is not expected to disrupt SLC12A2 protein function with a negative predictive value of 80%. In summary, the available evidence is currently insufficient to determine the role of this variant in disease. Therefore, it has been classified as a Variant of Uncertain Significance.